The following is an entry in ClinVar:

ClinVar aggregate classification (germline): Conflicting classifications of pathogenicity. Review status: criteria provided, conflicting classifications (1 of 4 stars). 2 submissions from 2 submitters: Likely pathogenic (1); Likely benign (1). Last evaluated 2024-09-20.

Conditions:
Intellectual developmental disorder, autosomal recessive 18, with or without epilepsy. Also called: Intellectual disability, autosomal recessive 18. Identifiers: Orphanet 88616, MedGen C3280265, MONDO:0013651, OMIM 614249.

Allele frequency attached by ClinVar (database versions not stated): gnomAD exomes below 0.00001 and 0.00001; ExAC 0.00001.
gnomAD v4.1: 3 of 1,611,454 alleles (0.00019%); highest among the groups gnomAD compares: South Asian, 0.0033%; no homozygotes.

Submissions (2):

3billion
Classification: Likely benign for Intellectual developmental disorder, autosomal recessive 18, with or without epilepsy. Last evaluated: 2024-09-20. Review status: criteria provided, single submitter. Criteria: ACMG Guidelines, 2015. Collection method: clinical testing. Allele origin: germline. Affected: no.
Comment: The homozygous variant was found in patients diagnosed with another variant in a different gene, with no symptoms related to the gene containing the homozygous variant.

GeneDx
Classification: Likely pathogenic. Last evaluated: 2018-01-05. Review status: criteria provided, single submitter. Criteria: GeneDx Variant Classification (06012015). Collection method: clinical testing. Allele origin: germline. Affected: yes.
Comment: The c.3957+5G>A variant in the MED23 gene has not been reported previously as a pathogenic variant nor as a benign variant, to our knowledge. This variant reduces the quality of the splice donor site in intron 29, and is expected to cause abnormal gene splicing. The c.3957+5G>A variant is not observed at a significant frequency in large population cohorts (Lek et al., 2016). We interpret c.3957+5G>A as a likely pathogenic variant.

NM_004830.4(MED23):c.3939+5G>A

Gene: MED23 (mediator complex subunit 23; minus strand). Cytogenetic location: 6q23.2.
Variant type: single nucleotide variant.
Coding change: c.3939+5G>A on transcript NM_004830.4 (MANE Select); 5 bases into the intron after coding-DNA position 3939, G replaced by A.
Molecular consequence: intron variant.
Genome position (GRCh38, 1-based): chr6:131,589,460, C>T on the plus strand (G>A on the coding strand, the complement: MED23 is on the minus strand). VCF-style: chr6-131589460-C-T. GRCh37 (hg19) VCF-style: chr6-131910600-C-T.
Other names: c.3939+5G>A (NM_001270521.2, NM_001270522.2); c.3957+5G>A (NM_015979.4).
Identifiers: ClinVar variation 489309 (VCV000489309.3), dbSNP rs753015353, ClinGen allele CA3999503.
Genomic context (GRCh38, chr6:131,589,460, plus strand): 5'-ATTACTATATGTTCAAGTTTTCTAAATTAAACATCATTAAAAATAATTAAACAAATTCAA[C>T]TTACTTGCTCTTTCACGCTGTCACCAGTAAACATATACTTCATGTGATAGAGGAAGTCAC-3'